The following is an entry in ClinVar:

NM_006922.4(SCN3A):c.433A>T (p.Met145Leu)

Gene: SCN3A (sodium voltage-gated channel alpha subunit 3; minus strand). Cytogenetic location: 2q24.3.
Variant type: single nucleotide variant.
Coding change: c.433A>T on transcript NM_006922.4 (MANE Select); coding-DNA position 433, A replaced by T.
Protein change: p.Met145Leu; replaces methionine 145 with leucine.
Molecular consequence: missense variant.
Genome position (GRCh38, 1-based): chr2:165,168,776, T>A on the plus strand (A>T on the coding strand, the complement: SCN3A is on the minus strand). VCF-style: chr2-165168776-T-A. GRCh37 (hg19) VCF-style: chr2-166025286-T-A.
Other names: c.433A>T, p.Met145Leu (NM_001081676.2, NM_001081677.2); short protein forms M145L.
Identifiers: ClinVar variation 4527562 (VCV004527562.1).

ClinVar aggregate classification (germline): Uncertain significance (1 of 4 stars; one submission).

Submission:

GeneDx
Classification: Uncertain significance. Last evaluated: 2025-04-28. Review status: criteria provided, single submitter. Criteria: GeneDx Variant Classification Process June 2021. Collection method: clinical testing. Allele origin: germline. Affected: yes.
Comment: Not observed at significant frequency in large population cohorts (gnomAD); In silico analysis supports that this missense variant has a deleterious effect on protein structure/function; Has not been previously published as pathogenic or benign to our knowledge